The following is an entry in ClinVar:

ClinVar aggregate classification (germline): Uncertain significance. Review status: criteria provided, multiple submitters, no conflicts (2 of 4 stars). 4 submissions from 4 submitters: Uncertain significance (4). Last evaluated 2025-10-19.

Conditions:
Age related macular degeneration 1 (ARMD1). Also called: MACULOPATHY, AGE-RELATED, 1. Identifiers: MedGen C1864205, MONDO:0011285, OMIM 603075.

Allele frequency attached by ClinVar (database versions not stated): gnomAD exomes 0.00005 and 0.00006; ExAC 0.00007; gnomAD 0.00007; TOPMed 0.00007; ESP Exome Variant Server 0.00023.
gnomAD v4.1: 81 of 1,613,686 alleles (0.005%); highest among the groups gnomAD compares: Non-Finnish European, 0.0067%; no homozygotes.

Submissions (4):

Labcorp Genetics (formerly Invitae), Labcorp
Classification: Uncertain significance. Last evaluated: 2025-10-19. Review status: criteria provided, single submitter. Criteria: Invitae Variant Classification Sherloc (09022015). Collection method: clinical testing. Allele origin: germline.
Comment: This sequence change replaces valine, which is neutral and non-polar, with leucine, which is neutral and non-polar, at codon 3908 of the HMCN1 protein (p.Val3908Leu). This variant is present in population databases (rs146636123, gnomAD 0.01%). This variant has not been reported in the literature in individuals affected with HMCN1-related conditions. ClinVar contains an entry for this variant (Variation ID: 294233). An algorithm developed to predict the effect of missense changes on protein structure and function (PolyPhen-2) suggests that this variant is likely to be tolerated. In summary, the available evidence is currently insufficient to determine the role of this variant in disease. Therefore, it has been classified as a Variant of Uncertain Significance.

Ambry Genetics
Classification: Uncertain significance. Last evaluated: 2024-11-13. Review status: criteria provided, single submitter. Criteria: Ambry Variant Classification Scheme 2023. Collection method: clinical testing. Allele origin: germline.

Genome-Nilou Lab
Classification: Uncertain significance for Age related macular degeneration 1. Last evaluated: 2023-04-11. Review status: criteria provided, single submitter. Criteria: ACMG Guidelines, 2015. Collection method: clinical testing. Allele origin: germline. Affected: no.

Illumina Laboratory Services, Illumina
Classification: Uncertain significance for Age related macular degeneration 1. Last evaluated: 2018-01-13. Review status: criteria provided, single submitter. Criteria: ICSL Variant Classification Criteria 13 December 2019. Collection method: clinical testing. Allele origin: germline.

NM_031935.3(HMCN1):c.11722G>C (p.Val3908Leu)

Gene: HMCN1 (hemicentin 1; plus strand). Cytogenetic location: 1q31.1.
Variant type: single nucleotide variant.
Coding change: c.11722G>C on transcript NM_031935.3 (MANE Select); coding-DNA position 11722, G replaced by C.
Protein change: p.Val3908Leu; replaces valine 3908 with leucine.
Molecular consequence: missense variant.
Genome position (GRCh38, 1-based): chr1:186,117,497, G>C. VCF-style: chr1-186117497-G-C. GRCh37 (hg19) VCF-style: chr1-186086629-G-C.
Other names: short protein forms V3908L.
Identifiers: ClinVar variation 294233 (VCV000294233.11), dbSNP rs146636123, ClinGen allele CA1294139.